The following is an entry in ClinVar:

NM_001134407.3(GRIN2A):c.1983A>G (p.Gln661=)

Gene: GRIN2A (glutamate ionotropic receptor NMDA type subunit 2A; minus strand). Cytogenetic location: 16p13.2.
Variant type: single nucleotide variant.
Coding change: c.1983A>G on transcript NM_001134407.3 (MANE Select); coding-DNA position 1983, A replaced by G.
Protein change: p.Gln661=; no amino-acid change (glutamine 661 retained).
Molecular consequence: synonymous variant.
Genome position (GRCh38, 1-based): chr16:9,829,447, T>C on the plus strand (A>G on the coding strand, the complement: GRIN2A is on the minus strand). VCF-style: chr16-9829447-T-C. GRCh37 (hg19) VCF-style: chr16-9923304-T-C.
Other names: c.1983A>G, p.Gln661= (NM_000833.5, NM_001134408.2).
Identifiers: ClinVar variation 973087 (VCV000973087.4), dbSNP rs1327079068, ClinGen allele CA493684431.

ClinVar aggregate classification (germline): Uncertain significance (1 of 4 stars; one submission).

Conditions:
Landau-Kleffner syndrome (FESD). Also called: EPILEPSY, FOCAL, WITH SPEECH DISORDER AND WITH OR WITHOUT MENTAL RETARDATION; APHASIA, ACQUIRED, WITH EPILEPSY. Identifiers: Orphanet 1945, Orphanet 725, Orphanet 98818, MedGen C0282512, MONDO:0009509, OMIM 245570.

Allele frequency attached by ClinVar (database versions not stated): gnomAD exomes 0.00001 and below 0.00001.
gnomAD v4.1: 3 of 1,613,612 alleles (0.00019%); highest among the groups gnomAD compares: Non-Finnish European, 0.00025%; no homozygotes.

Submission:

GeneDx
Classification: Uncertain significance. Last evaluated: 2019-11-26. Review status: criteria provided, single submitter. Criteria: GeneDx Variant Classification Process June 2021. Collection method: clinical testing. Allele origin: germline. Affected: yes.
Comment: Not observed at a significant frequency in large population cohorts (Lek et al., 2016); Has not been previously published as pathogenic or benign to our knowledge; In silico analysis, which includes splice predictors and evolutionary conservation, suggests this variant may impact gene splicing. In the absence of RNA/functional studies, the actual effect of this sequence change is unknown.